The following is an entry in ClinVar:

ClinVar aggregate classification (germline): Likely benign. Review status: criteria provided, multiple submitters, no conflicts (2 of 4 stars). 3 submissions from 3 submitters: Likely benign (2). 1 of the submissions does not count toward it. Last evaluated 2025-09-02.

Conditions:
Muscular dystrophy-dystroglycanopathy type B6 (MDDGB6). Also called: MUSCULAR DYSTROPHY-DYSTROGLYCANOPATHY (CONGENITAL WITH IMPAIRED INTELLECTUAL DEVELOPMENT), TYPE B, 6; MUSCULAR DYSTROPHY, CONGENITAL, LARGE-RELATED; MUSCULAR DYSTROPHY, CONGENITAL, TYPE 1D. Identifiers: MedGen C1837229, MONDO:0012138, OMIM 608840.
LARGE1-related disorder. Also called: LARGE1-related condition.

Allele frequency attached by ClinVar (database versions not stated): gnomAD 0.00001; ExAC 0.00002; gnomAD exomes 0.00002; TOPMed 0.00003.
gnomAD v4.1: 28 of 1,614,054 alleles (0.0017%); highest among the groups gnomAD compares: Admixed American, 0.0083%; no homozygotes.

Submissions (3):

Labcorp Genetics (formerly Invitae), Labcorp
Classification: Likely benign for Muscular dystrophy-dystroglycanopathy type B6. Last evaluated: 2025-09-02. Review status: criteria provided, single submitter. Criteria: Invitae Variant Classification Sherloc (09022015). Collection method: clinical testing. Allele origin: germline.

Blueprint Genetics
Classification: Likely benign. Last evaluated: 2024-05-07. Review status: criteria provided, single submitter. Criteria: ACMG Guidelines, 2015. Collection method: clinical testing. Allele origin: germline.

PreventionGenetics, part of Exact Sciences
Classification: Likely benign for LARGE1-related condition. Last evaluated: 2019-08-20. Review status: no assertion criteria provided. Collection method: clinical testing. Allele origin: germline. Not counted in ClinVar's aggregate classification.
Comment: This variant is classified as likely benign based on ACMG/AMP sequence variant interpretation guidelines (Richards et al. 2015 PMID: 25741868, with internal and published modifications).

NM_133642.5(LARGE1):c.1833G>A (p.Ala611=)

Gene: LARGE1 (LARGE xylosyl- and glucuronyltransferase 1; minus strand). Cytogenetic location: 22q12.3.
Variant type: single nucleotide variant.
Coding change: c.1833G>A on transcript NM_133642.5 (MANE Select); coding-DNA position 1833, G replaced by A.
Protein change: p.Ala611=; no amino-acid change (alanine 611 retained).
Molecular consequence: synonymous variant. On other transcripts: intron variant (3).
Genome position (GRCh38, 1-based): chr22:33,283,246, C>T on the plus strand (G>A on the coding strand, the complement: LARGE1 is on the minus strand). VCF-style: chr22-33283246-C-T. GRCh37 (hg19) VCF-style: chr22-33679232-C-T.
Other names: c.1833G>A (NM_004737.5); c.1833G>A, p.Ala611= (NM_001362949.2, NM_001362951.2, NM_001362953.2 and 4 more transcripts); c.1677G>A, p.Ala559= (NM_001378629.1); c.1230G>A, p.Ala410= (NM_001378630.1); c.1731-5991G>A (NM_001378627.1, NM_001378628.1); c.972-5991G>A (NM_001378631.1).
Identifiers: ClinVar variation 783088 (VCV000783088.14), dbSNP rs775318098, ClinGen allele CA10202639.